The following is an entry in ClinVar:

NM_006618.5(KDM5B):c.2133_2140del (p.Leu713fs)

Gene: KDM5B (lysine demethylase 5B; minus strand). Cytogenetic location: 1q32.1.
Variant type: Deletion.
Coding change: c.2133_2140del on transcript NM_006618.5 (MANE Select); coding-DNA positions 2133 to 2140, 8 bases deleted (CCTTCTTG; older notation c.2133_2140delCCTTCTTG).
Protein change: p.Leu713fs; shifts the reading frame from leucine 713.
Molecular consequence: frameshift variant.
Genome position (GRCh38, 1-based): chr1:202,746,200-202,746,207, CAAGAAGG deleted on the plus strand (CCTTCTTG on the coding strand, the reverse complement: KDM5B is on the minus strand); deleting any 8 consecutive bases within chr1:202,746,200-202,746,208 gives the same sequence; the c. name uses the placement nearest the transcript's 3' end. VCF-style (leftmost placement, unchanged base first): chr1-202746199-ACAAGAAGG-A. GRCh37 (hg19) VCF-style: chr1-202715327-ACAAGAAGG-A.
Other names: c.2241_2248del, p.Leu749fs (NM_001314042.2); c.1998_2005del, p.Leu668fs (NM_001347591.2); c.2118_2125del, p.Leu708fs (NM_001399817.1); short protein forms L668fs, L713fs, L749fs, L708fs.
Identifiers: ClinVar variation 1312385 (VCV001312385.3), dbSNP rs2102242694, ClinGen allele CA2573051465.

ClinVar aggregate classification (germline): Uncertain significance (1 of 4 stars; one submission).

Submission:

GeneDx
Classification: Uncertain significance. Last evaluated: 2019-09-20. Review status: criteria provided, single submitter. Criteria: GeneDx Variant Classification Process June 2021. Collection method: clinical testing. Allele origin: germline. Affected: yes.
Comment: Not observed in large population cohorts (Lek et al., 2016); Frameshift variant predicted to result in protein truncation or nonsense mediated decay in a gene for which loss-of-function is not a known mechanism of disease; Has not been previously published as pathogenic or benign to our knowledge